The following is an entry in ClinVar:

ClinVar aggregate classification (germline): Uncertain significance (1 of 4 stars; one submission).

Conditions:
Primary ciliary dyskinesia. Also called: Ciliary dyskinesia. Identifiers: Orphanet 244, MedGen C0008780, MONDO:0016575, HP:0012265.

Submission:

Ambry Genetics
Classification: Uncertain significance for Primary ciliary dyskinesia. Last evaluated: 2024-09-04. Review status: criteria provided, single submitter. Criteria: Ambry Variant Classification Scheme 2023. Collection method: clinical testing. Allele origin: germline.
Comment: The p.E491G variant (also known as c.1472A>G), located in coding exon 10 of the CCDC40 gene, results from an A to G substitution at nucleotide position 1472. The glutamic acid at codon 491 is replaced by glycine, an amino acid with similar properties. This amino acid position is conserved. In addition, this alteration is predicted to be deleterious by in silico analysis. Based on the available evidence, the clinical significance of this variant remains unclear.

NM_017950.4(CCDC40):c.1472A>G (p.Glu491Gly)

Gene: CCDC40 (coiled-coil domain 40 molecular ruler complex subunit; plus strand). Cytogenetic location: 17q25.3.
Variant type: single nucleotide variant.
Coding change: c.1472A>G on transcript NM_017950.4 (MANE Select); coding-DNA position 1472, A replaced by G.
Protein change: p.Glu491Gly; replaces glutamic acid 491 with glycine.
Molecular consequence: missense variant.
Genome position (GRCh38, 1-based): chr17:80,065,516, A>G. VCF-style: chr17-80065516-A-G. GRCh37 (hg19) VCF-style: chr17-78039315-A-G.
Other names: c.1472A>G, p.Glu491Gly (NM_001243342.2, NM_001330508.2); short protein forms E491G.
Identifiers: ClinVar variation 3486703 (VCV003486703.1).